The following is an entry in ClinVar:

ClinVar aggregate classification (germline): Pathogenic (1 of 4 stars; one submission).

Conditions:
Cystic fibrosis (CF). Also called: MUCOVISCIDOSIS. Identifiers: Orphanet 586, MedGen C0010674, MONDO:0009061, OMIM 219700. Disease mechanism: loss of function.

Submission:

Women's Health and Genetics/Laboratory Corporation of America, LabCorp
Classification: Pathogenic for Cystic fibrosis. Last evaluated: 2024-05-02. Review status: criteria provided, single submitter. Criteria: LabCorp Variant Classification Summary - May 2015. Collection method: clinical testing. Allele origin: germline.
Comment: Variant summary: The variant involves the deletion of exon 17 in the CFTR gene. A presumed nomenclature of c.(2657+1_2658-1)_(2908+1_2909-1)del has been designated for the purposes of this classification. This Copy Number Variant (CNV) is expected to alter the reading frame and predicted to result in a truncation or absence of the encoded protein due to nonsense mediated decay (NMD). The variant was absent in 21694 control chromosomes (gnomAD SVs v2 dataset). To our knowledge, no occurrence of c.(2657+1_2658-1)_(2908+1_2909-1)del in individuals affected with Cystic Fibrosis and no experimental evidence demonstrating its impact on protein function have been reported. No submitters have cited clinical-significance assessments for this variant to ClinVar. Based on the evidence outlined above, the variant was classified as pathogenic.

NC_000007.13:g.(117242918_117243585)_(117243837_117246727)del

Gene: CFTR (CF transmembrane conductance regulator; plus strand). Cytogenetic location: 7q31.2.
Variant type: Deletion.
Identifiers: ClinVar variation 3336237 (VCV003336237.1).